The following is an entry in ClinVar:

NM_004795.4(KL):c.730G>T (p.Ala244Ser)

Gene: KL (klotho; plus strand). Cytogenetic location: 13q13.1.
Variant type: single nucleotide variant.
Coding change: c.730G>T on transcript NM_004795.4 (MANE Select); coding-DNA position 730, G replaced by T.
Protein change: p.Ala244Ser; replaces alanine 244 with serine.
Molecular consequence: missense variant.
Genome position (GRCh38, 1-based): chr13:33,017,170, G>T. VCF-style: chr13-33017170-G-T. GRCh37 (hg19) VCF-style: chr13-33591308-G-T.
Other names: short protein forms A244S.
Identifiers: ClinVar variation 3615248 (VCV003615248.2).
Genomic context (GRCh38, chr13:33,017,170, plus strand): 5'-TTCCGCCACTTCGGCGGTCAGGTCAAGTACTGGATCACCATCGACAACCCCTACGTGGTG[G>T]CCTGGCACGGCTACGCCACCGGGCGCCTGGCCCCCGGCATCCGGGGCAGCCCGCGGCTCG-3'
Protein context (NP_004786.2, residues 234-254): WITIDNPYVV[Ala244Ser]WHGYATGRLA

ClinVar aggregate classification (germline): Uncertain significance (1 of 4 stars; one submission).

gnomAD v4.1: 21 of 1,600,160 alleles (0.0013%); highest among the groups gnomAD compares: Non-Finnish European, 0.0016%; no homozygotes.

Submission:

Labcorp Genetics (formerly Invitae), Labcorp
Classification: Uncertain significance. Last evaluated: 2024-08-21. Review status: criteria provided, single submitter. Criteria: Invitae Variant Classification Sherloc (09022015). Collection method: clinical testing. Allele origin: germline.
Comment: This sequence change replaces alanine, which is neutral and non-polar, with serine, which is neutral and polar, at codon 244 of the KL protein (p.Ala244Ser). This variant is present in population databases (no rsID available, gnomAD 0.002%). This variant has not been reported in the literature in individuals affected with KL-related conditions. Invitae Evidence Modeling of protein sequence and biophysical properties (such as structural, functional, and spatial information, amino acid conservation, physicochemical variation, residue mobility, and thermodynamic stability) indicates that this missense variant is expected to disrupt KL protein function with a positive predictive value of 80%. In summary, the available evidence is currently insufficient to determine the role of this variant in disease. Therefore, it has been classified as a Variant of Uncertain Significance.